The following is an entry in ClinVar:

ClinVar aggregate classification (germline): Uncertain significance (1 of 4 stars; one submission).

Allele frequency attached by ClinVar (database versions not stated): TOPMed below 0.00001; gnomAD exomes 0.00001; ExAC 0.00002.
gnomAD v4.1: 7 of 1,612,974 alleles (0.00043%); highest among the groups gnomAD compares: Non-Finnish European, 0.00059%; no homozygotes.

Submission:

Labcorp Genetics (formerly Invitae), Labcorp
Classification: Uncertain significance. Last evaluated: 2022-02-18. Review status: criteria provided, single submitter. Criteria: Invitae Variant Classification Sherloc (09022015). Collection method: clinical testing. Allele origin: germline.
Comment: This sequence change replaces alanine, which is neutral and non-polar, with threonine, which is neutral and polar, at codon 9 of the NEU1 protein (p.Ala9Thr). This variant is present in population databases (rs760220012, gnomAD 0.003%). This variant has not been reported in the literature in individuals affected with NEU1-related conditions. Algorithms developed to predict the effect of missense changes on protein structure and function output the following: SIFT: "Tolerated"; PolyPhen-2: "Benign"; Align-GVGD: "Class C0". The threonine amino acid residue is found in multiple mammalian species, which suggests that this missense change does not adversely affect protein function. In summary, the available evidence is currently insufficient to determine the role of this variant in disease. Therefore, it has been classified as a Variant of Uncertain Significance.

NM_000434.4(NEU1):c.25G>A (p.Ala9Thr)

Gene: NEU1 (neuraminidase 1; minus strand). Cytogenetic location: 6p21.33.
Variant type: single nucleotide variant.
Coding change: c.25G>A on transcript NM_000434.4 (MANE Select); coding-DNA position 25, G replaced by A.
Protein change: p.Ala9Thr; replaces alanine 9 with threonine.
Molecular consequence: missense variant.
Genome position (GRCh38, 1-based): chr6:31,862,752, C>T on the plus strand (G>A on the coding strand, the complement: NEU1 is on the minus strand). VCF-style: chr6-31862752-C-T. GRCh37 (hg19) VCF-style: chr6-31830529-C-T.
Other names: short protein forms A9T.
Identifiers: ClinVar variation 2098900 (VCV002098900.1), dbSNP rs760220012, ClinGen allele CA3725116.